The following is an entry in ClinVar:

ClinVar aggregate classification (germline): Uncertain significance (1 of 4 stars; one submission).

Submission:

Women's Health and Genetics/Laboratory Corporation of America, LabCorp
Classification: Uncertain significance. Last evaluated: 2026-05-04. Review status: criteria provided, single submitter. Criteria: LabCorp Variant Classification Summary - May 2015. Collection method: clinical testing. Allele origin: germline.
Comment: Variant summary: SCN10A c.3865C>A (p.Leu1289Ile) results in a conservative amino acid change in the encoded protein sequence. Algorithms developed to predict the effect of missense changes on protein structure and function are either unavailable or do not agree on the potential impact of this missense change. The variant was absent in 251254 control chromosomes. The available data on variant occurrences in the general population are insufficient to allow any conclusion about variant significance. To our knowledge, no occurrence of c.3865C>A in individuals affected with SCN10A-related conditions and no experimental evidence demonstrating its impact on protein function have been reported. No submitters have cited clinical-significance assessments for this variant to ClinVar. Based on the evidence outlined above, the variant was classified as uncertain significance.

NM_006514.4(SCN10A):c.3865C>A (p.Leu1289Ile)

Gene: SCN10A (sodium voltage-gated channel alpha subunit 10; minus strand). Cytogenetic location: 3p22.2.
Variant type: single nucleotide variant.
Coding change: c.3865C>A on transcript NM_006514.4 (MANE Select); coding-DNA position 3865, C replaced by A.
Protein change: p.Leu1289Ile; replaces leucine 1289 with isoleucine.
Molecular consequence: missense variant.
Genome position (GRCh38, 1-based): chr3:38,712,385, G>T on the plus strand (C>A on the coding strand, the complement: SCN10A is on the minus strand). VCF-style: chr3-38712385-G-T. GRCh37 (hg19) VCF-style: chr3-38753876-G-T.
Other names: c.3862C>A, p.Leu1288Ile (NM_001293306.2); c.3571C>A, p.Leu1191Ile (NM_001293307.2); short protein forms L1191I, L1288I, L1289I.
Identifiers: ClinVar variation 4853598 (VCV004853598.1).